The following is an entry in ClinVar:

NM_020461.4(TUBGCP6):c.1489A>G (p.Thr497Ala)

Gene: TUBGCP6 (tubulin gamma complex component 6; minus strand). Cytogenetic location: 22q13.33.
Variant type: single nucleotide variant.
Coding change: c.1489A>G on transcript NM_020461.4 (MANE Select); coding-DNA position 1489, A replaced by G.
Protein change: p.Thr497Ala; replaces threonine 497 with alanine.
Molecular consequence: missense variant.
Genome position (GRCh38, 1-based): chr22:50,227,001, T>C on the plus strand (A>G on the coding strand, the complement: TUBGCP6 is on the minus strand). VCF-style: chr22-50227001-T-C. GRCh37 (hg19) VCF-style: chr22-50665430-T-C.
Other names: short protein forms T497A.
Identifiers: ClinVar variation 957933 (VCV000957933.9), dbSNP rs750207304, ClinGen allele CA10308664.

ClinVar aggregate classification (germline): Uncertain significance (1 of 4 stars; one submission).

Allele frequency attached by ClinVar (database versions not stated): gnomAD exomes below 0.00001 and 0.00001; TOPMed below 0.00001; ExAC 0.00001; gnomAD 0.00001.
gnomAD v4.1: 6 of 1,611,394 alleles (0.00037%); highest among the groups gnomAD compares: South Asian, 0.0055%; no homozygotes.

Submission:

Labcorp Genetics (formerly Invitae), Labcorp
Classification: Uncertain significance. Last evaluated: 2022-11-15. Review status: criteria provided, single submitter. Criteria: Invitae Variant Classification Sherloc (09022015). Collection method: clinical testing. Allele origin: germline.
Comment: This sequence change replaces threonine, which is neutral and polar, with alanine, which is neutral and non-polar, at codon 497 of the TUBGCP6 protein (p.Thr497Ala). This variant is present in population databases (rs750207304, gnomAD 0.007%). This variant has not been reported in the literature in individuals affected with TUBGCP6-related conditions. ClinVar contains an entry for this variant (Variation ID: 957933). Algorithms developed to predict the effect of missense changes on protein structure and function are either unavailable or do not agree on the potential impact of this missense change (SIFT: "Deleterious"; PolyPhen-2: "Possibly Damaging"; Align-GVGD: "Class C0"). In summary, the available evidence is currently insufficient to determine the role of this variant in disease. Therefore, it has been classified as a Variant of Uncertain Significance.